The following is an entry in ClinVar:

NM_001291415.2(KDM6A):c.2239G>T (p.Ala747Ser)

Gene: KDM6A (lysine demethylase 6A; plus strand). Cytogenetic location: Xp11.3.
Variant type: single nucleotide variant.
Coding change: c.2239G>T on transcript NM_001291415.2 (MANE Select); coding-DNA position 2239, G replaced by T.
Protein change: p.Ala747Ser; replaces alanine 747 with serine.
Molecular consequence: missense variant. On other transcripts: non-coding transcript variant (1).
Genome position (GRCh38, 1-based): chrX:45,069,738, G>T. VCF-style: chrX-45069738-G-T. GRCh37 (hg19) VCF-style: chrX-44928983-G-T.
Other names: c.2104G>T, p.Ala702Ser (NM_001291416.2, NM_001419811.1); c.1195G>T, p.Ala399Ser (NM_001291421.2); c.1981G>T, p.Ala661Ser (NM_001410742.1, NM_001419814.1); c.2239G>T, p.Ala747Ser (NM_001419809.1); c.2137G>T, p.Ala713Ser (NM_001419810.1, NM_001419813.1); c.1948G>T, p.Ala650Ser (NM_001291417.2); c.1846G>T, p.Ala616Ser (NM_001291418.2, NM_001419815.1); c.2083G>T, p.Ala695Ser (NM_001419812.1, NM_021140.4); short protein forms A661S, A702S, A616S, A695S, A399S, A650S, A713S, A747S.
Identifiers: ClinVar variation 3653654 (VCV003653654.2).

ClinVar aggregate classification (germline): Uncertain significance (1 of 4 stars; one submission).

Conditions:
Kabuki syndrome 2 (KABUK2). Also called: KDM6A-Related Kabuki Syndrome. Identifiers: Orphanet 2322, MedGen C3275495, MONDO:0010465, OMIM 300867.

Submission:

Labcorp Genetics (formerly Invitae), Labcorp
Classification: Uncertain significance for Kabuki syndrome 2. Last evaluated: 2024-05-17. Review status: criteria provided, single submitter. Criteria: Invitae Variant Classification Sherloc (09022015). Collection method: clinical testing. Allele origin: germline.
Comment: This sequence change replaces alanine, which is neutral and non-polar, with serine, which is neutral and polar, at codon 695 of the KDM6A protein (p.Ala695Ser). This variant is not present in population databases (gnomAD no frequency). This variant has not been reported in the literature in individuals affected with KDM6A-related conditions. Advanced modeling of protein sequence and biophysical properties (such as structural, functional, and spatial information, amino acid conservation, physicochemical variation, residue mobility, and thermodynamic stability) performed at Invitae indicates that this missense variant is not expected to disrupt KDM6A protein function with a negative predictive value of 80%. In summary, the available evidence is currently insufficient to determine the role of this variant in disease. Therefore, it has been classified as a Variant of Uncertain Significance.